The following is an entry in ClinVar:

ClinVar aggregate classification (germline): Uncertain significance (1 of 4 stars; one submission).

Conditions:
POLD1-related polyposis and colorectal cancer syndrome (CRCS10). Also called: Colorectal cancer 10; Colorectal cancer, susceptibility to, 10; COLORECTAL CANCER, SUSCEPTIBILITY TO, ON CHROMOSOME 19q. Identifiers: Orphanet 220460, MedGen C2675481, MONDO:0012953, OMIM 612591.

Submission:

Labcorp Genetics (formerly Invitae), Labcorp
Classification: Uncertain significance for POLD1-related polyposis and colorectal cancer syndrome. Last evaluated: 2023-09-19. Review status: criteria provided, single submitter. Criteria: Invitae Variant Classification Sherloc (09022015). Collection method: clinical testing. Allele origin: germline.
Comment: This sequence change replaces asparagine, which is neutral and polar, with histidine, which is basic and polar, at codon 264 of the POLD1 protein (p.Asn264His). This variant is not present in population databases (gnomAD no frequency). This variant has not been reported in the literature in individuals affected with POLD1-related conditions. Advanced modeling of protein sequence and biophysical properties (such as structural, functional, and spatial information, amino acid conservation, physicochemical variation, residue mobility, and thermodynamic stability) has been performed at Invitae for this missense variant, however the output from this modeling did not meet the statistical confidence thresholds required to predict the impact of this variant on POLD1 protein function. In summary, the available evidence is currently insufficient to determine the role of this variant in disease. Therefore, it has been classified as a Variant of Uncertain Significance.

NM_002691.4(POLD1):c.790A>C (p.Asn264His)

Gene: POLD1 (DNA polymerase delta 1, catalytic subunit; plus strand). Cytogenetic location: 19q13.33.
Variant type: single nucleotide variant.
Coding change: c.790A>C on transcript NM_002691.4 (MANE Select); coding-DNA position 790, A replaced by C.
Protein change: p.Asn264His; replaces asparagine 264 with histidine.
Molecular consequence: missense variant. On other transcripts: non-coding transcript variant (1).
Genome position (GRCh38, 1-based): chr19:50,402,485, A>C. VCF-style: chr19-50402485-A-C. GRCh37 (hg19) VCF-style: chr19-50905742-A-C.
Other names: c.790A>C, p.Asn264His (NM_001256849.1, NM_001308632.1); short protein forms N264H.
Identifiers: ClinVar variation 2761960 (VCV002761960.3), dbSNP rs2513966179, ClinGen allele CA406974906.